The following is an entry in ClinVar:

ClinVar aggregate classification (germline): Uncertain significance (1 of 4 stars; one submission).

Allele frequency attached by ClinVar (database versions not stated): ExAC 0.00001; gnomAD 0.00001; TOPMed 0.00001.
gnomAD v4.1: 12 of 1,612,062 alleles (0.00074%); highest among the groups gnomAD compares: African/African-American, 0.0013%; no homozygotes.

Submission:

Labcorp Genetics (formerly Invitae), Labcorp
Classification: Uncertain significance. Last evaluated: 2023-05-15. Review status: criteria provided, single submitter. Criteria: Invitae Variant Classification Sherloc (09022015). Collection method: clinical testing. Allele origin: germline.
Comment: In summary, the available evidence is currently insufficient to determine the role of this variant in disease. Therefore, it has been classified as a Variant of Uncertain Significance. An algorithm developed to predict the effect of missense changes on protein structure and function (PolyPhen-2) suggests that this variant is likely to be disruptive. ClinVar contains an entry for this variant (Variation ID: 1437103). This variant has not been reported in the literature in individuals affected with DSCAML1-related conditions. This variant is present in population databases (rs773947462, gnomAD 0.004%). This sequence change replaces serine, which is neutral and polar, with leucine, which is neutral and non-polar, at codon 472 of the DSCAML1 protein (p.Ser472Leu).

NM_020693.4(DSCAML1):c.1235C>T (p.Ser412Leu)

Gene: DSCAML1 (DS cell adhesion molecule like 1; minus strand). Cytogenetic location: 11q23.3.
Variant type: single nucleotide variant.
Coding change: c.1235C>T on transcript NM_020693.4 (MANE Select); coding-DNA position 1235, C replaced by T.
Protein change: p.Ser412Leu; replaces serine 412 with leucine.
Molecular consequence: missense variant.
Genome position (GRCh38, 1-based): chr11:117,518,741, G>A on the plus strand (C>T on the coding strand, the complement: DSCAML1 is on the minus strand). VCF-style: chr11-117518741-G-A. GRCh37 (hg19) VCF-style: chr11-117389456-G-A.
Other names: c.1235C>T, p.Ser412Leu (NM_001367904.1); c.827C>T, p.Ser276Leu (NM_001367905.1); short protein forms S276L, S412L.
Identifiers: ClinVar variation 1437103 (VCV001437103.6), dbSNP rs773947462, ClinGen allele CA6297317.